The following is an entry in ClinVar:

NM_198525.3(KIF7):c.3745C>A (p.Leu1249Ile)

Gene: KIF7 (kinesin family member 7; minus strand). Cytogenetic location: 15q26.1.
Variant type: single nucleotide variant.
Coding change: c.3745C>A on transcript NM_198525.3 (MANE Select); coding-DNA position 3745, C replaced by A.
Protein change: p.Leu1249Ile; replaces leucine 1249 with isoleucine.
Molecular consequence: missense variant.
Genome position (GRCh38, 1-based): chr15:89,628,706, G>T on the plus strand (C>A on the coding strand, the complement: KIF7 is on the minus strand). VCF-style: chr15-89628706-G-T. GRCh37 (hg19) VCF-style: chr15-90171937-G-T.
Other names: short protein forms L1249I.
Identifiers: ClinVar variation 4529558 (VCV004529558.1).

ClinVar aggregate classification (germline): Uncertain significance (1 of 4 stars; one submission).

gnomAD v4.1: 4 of 1,613,092 alleles (0.00025%); highest among the groups gnomAD compares: South Asian, 0.0044%; no homozygotes.

Submission:

GeneDx
Classification: Uncertain significance. Last evaluated: 2025-05-13. Review status: criteria provided, single submitter. Criteria: GeneDx Variant Classification Process June 2021. Collection method: clinical testing. Allele origin: germline. Affected: yes.
Comment: Not observed at significant frequency in large population cohorts (gnomAD); In silico analysis suggests that this missense variant does not alter protein structure/function; Has not been previously published as pathogenic or benign to our knowledge